The following is an entry in ClinVar:

NM_006030.4(CACNA2D2):c.2164A>G (p.Asn722Asp)

Genes: CACNA2D2 (calcium voltage-gated channel auxiliary subunit alpha2delta 2; minus strand), LOC127898564 (CYB561D2-LOC101928965; plus strand), LOC101928965 (uncharacterized LOC101928965; plus strand). Cytogenetic location: 3p21.31.
Variant type: single nucleotide variant.
Coding change: c.2164A>G on transcript NM_006030.4 (MANE Select); coding-DNA position 2164, A replaced by G.
Protein change: p.Asn722Asp; replaces asparagine 722 with aspartic acid.
Molecular consequence: missense variant. On other transcripts: non-coding transcript variant (3).
Genome position (GRCh38, 1-based): chr3:50,367,882, T>C on the plus strand (A>G on the coding strand, the complement: CACNA2D2 is on the minus strand). VCF-style: chr3-50367882-T-C. GRCh37 (hg19) VCF-style: chr3-50405313-T-C.
Other names: c.2164A>G, p.Asn722Asp (NM_001005505.3); c.2185A>G, p.Asn729Asp (NM_001174051.3); c.1957A>G, p.Asn653Asp (NM_001291101.1); short protein forms N722D, N653D, N729D.
Identifiers: ClinVar variation 961986 (VCV000961986.5), dbSNP rs1704428309, ClinGen allele CA352915449.
Genomic context (GRCh38, chr3:50,367,882, plus strand): 5'-CCTGGTCCCTCCACACACGCTCTACCAGCTGCTGCGTGATGCCCGTGTCCAAGATCAGGT[T>C]GTGCAGAAGGAAGTTGTTGCCTGGAACAGGAGGGGAGGGGTGGGGGTGGGGGCATCTTCT-3'
Protein context (NP_006021.2, residues 712-732): SKQCNNFLLH[Asn722Asp]LILDTGITQQ

ClinVar aggregate classification (germline): Uncertain significance (1 of 4 stars; one submission).

Conditions:
Developmental and epileptic encephalopathy. Identifiers: MedGen C5779964, MONDO:0100620.

Submission:

Labcorp Genetics (formerly Invitae), Labcorp
Classification: Uncertain significance for Early-infantile DEE. Last evaluated: 2021-08-24. Review status: criteria provided, single submitter. Criteria: Invitae Variant Classification Sherloc (09022015). Collection method: clinical testing. Allele origin: germline.
Comment: This sequence change replaces asparagine with aspartic acid at codon 722 of the CACNA2D2 protein (p.Asn722Asp). The asparagine residue is highly conserved and there is a small physicochemical difference between asparagine and aspartic acid. This variant is not present in population databases (ExAC no frequency). This variant has not been reported in the literature in individuals affected with CACNA2D2-related conditions. Algorithms developed to predict the effect of missense changes on protein structure and function are either unavailable or do not agree on the potential impact of this missense change (SIFT: "Deleterious"; PolyPhen-2: "Probably Damaging"; Align-GVGD: "Class C0"). In summary, the available evidence is currently insufficient to determine the role of this variant in disease. Therefore, it has been classified as a Variant of Uncertain Significance.